The following is an entry in ClinVar:

NM_201384.3(PLEC):c.12383G>A (p.Arg4128Gln)

Gene: PLEC (plectin; minus strand). Cytogenetic location: 8q24.3.
Variant type: single nucleotide variant.
Coding change: c.12383G>A on transcript NM_201384.3 (MANE Select); coding-DNA position 12383, G replaced by A.
Protein change: p.Arg4128Gln; replaces arginine 4128 with glutamine.
Molecular consequence: missense variant.
Genome position (GRCh38, 1-based): chr8:143,917,438, C>T on the plus strand (G>A on the coding strand, the complement: PLEC is on the minus strand). VCF-style: chr8-143917438-C-T. GRCh37 (hg19) VCF-style: chr8-144991606-C-T.
Other names: c.12464G>A, p.Arg4155Gln (NM_000445.5); c.12341G>A, p.Arg4114Gln (NM_201378.4); c.12317G>A, p.Arg4106Gln (NM_201379.3); c.12794G>A, p.Arg4265Gln (NM_201380.4); c.12287G>A, p.Arg4096Gln (NM_201381.3); c.12383G>A, p.Arg4128Gln (NM_201382.4); c.12395G>A, p.Arg4132Gln (NM_201383.3); short protein forms R4096Q, R4106Q, R4114Q, R4128Q, R4132Q, R4155Q, R4265Q.
Identifiers: ClinVar variation 514406 (VCV000514406.5), dbSNP rs533757341, ClinGen allele CA4924099.
Genomic context (GRCh38, chr8:143,917,438, plus strand): 5'-GTCTCGGGGTCCACGATGACCACTCGGCGCTTGCGCACGGAGGACTTGGAGGACGTCTTC[C>T]GCTCCCGCTTCTTCTCCTTCAGCGGCAAGAGACACAGGCCCGTCTGGGGGTCAGTGATAC-3'
Protein context (NP_958786.1, residues 4118-4138): LLPLKEKKRE[Arg4128Gln]KTSSKSSVRK

ClinVar aggregate classification (germline): Conflicting classifications of pathogenicity. Review status: criteria provided, conflicting classifications (1 of 4 stars). 2 submissions from 2 submitters: Uncertain significance (1); Likely benign (1). Last evaluated 2025-02-03.

Conditions:
Autosomal recessive limb-girdle muscular dystrophy type 2Q (LGMDR17). Also called: MUSCULAR DYSTROPHY, LIMB-GIRDLE, AUTOSOMAL RECESSIVE 17. Identifiers: Orphanet 254361, MedGen C3150989, MONDO:0013390, OMIM 613723.
Epidermolysis bullosa simplex 5C, with pyloric atresia (EBS5C). Also called: Epidermolysis bullosa simplex with pyloric atresia; PLEC-Related Epidermolysis Bullosa with Pyloric Atresia; PLEC1-Related Epidermolysis Bullosa with Pyloric Atresia. Identifiers: Orphanet 158684, MedGen C2677349, MONDO:0012807, OMIM 612138.
Epidermolysis bullosa simplex 5B, with muscular dystrophy (EBS5B). Also called: EPIDERMOLYSIS BULLOSA SIMPLEX AND LIMB-GIRDLE MUSCULAR DYSTROPHY; Epidermolysis bullosa simplex with muscular dystrophy. Identifiers: Orphanet 257, MedGen C2931072, MONDO:0009181, OMIM 226670.
Epidermolysis bullosa simplex with nail dystrophy (EBS5D). Identifiers: MedGen C4225309, MONDO:0014661, OMIM 616487.
Epidermolysis bullosa simplex, Ogna type (EBS5A). Also called: Pidermolysis bullosa simplex 5A, Ogna type; EPIDERMOLYSIS BULLOSA SIMPLEX 5A, OGNA TYPE. Identifiers: Orphanet 79401, MedGen C0432317, MONDO:0007555, OMIM 131950.

Allele frequency attached by ClinVar (database versions not stated): TOPMed below 0.00001; gnomAD 0.00001; gnomAD exomes 0.00001 and 0.00002; ExAC 0.00003.
gnomAD v4.1: 24 of 1,613,450 alleles (0.0015%); highest among the groups gnomAD compares: South Asian, 0.015%; no homozygotes.

Submissions (2):

Labcorp Genetics (formerly Invitae), Labcorp
Classification: Uncertain significance for Autosomal recessive limb-girdle muscular dystrophy type 2Q; Epidermolysis bullosa simplex, Ogna type; Epidermolysis bullosa simplex with nail dystrophy; Epidermolysis bullosa simplex 5C, with pyloric atresia; Epidermolysis bullosa simplex 5B, with muscular dystrophy. Last evaluated: 2025-02-03. Review status: criteria provided, single submitter. Criteria: Invitae Variant Classification Sherloc (09022015). Collection method: clinical testing. Allele origin: germline.
Comment: This sequence change replaces arginine, which is basic and polar, with glutamine, which is neutral and polar, at codon 4155 of the PLEC protein (p.Arg4155Gln). This variant is present in population databases (rs533757341, gnomAD 0.01%). This variant has not been reported in the literature in individuals affected with PLEC-related conditions. ClinVar contains an entry for this variant (Variation ID: 514406). Invitae Evidence Modeling of protein sequence and biophysical properties (such as structural, functional, and spatial information, amino acid conservation, physicochemical variation, residue mobility, and thermodynamic stability) indicates that this missense variant is not expected to disrupt PLEC protein function with a negative predictive value of 80%. In summary, the available evidence is currently insufficient to determine the role of this variant in disease. Therefore, it has been classified as a Variant of Uncertain Significance.

GeneDx
Classification: Likely benign. Last evaluated: 2018-01-03. Review status: criteria provided, single submitter. Criteria: GeneDx Variant Classification (06012015). Collection method: clinical testing. Allele origin: germline. Affected: yes.
Comment: This variant is considered likely benign or benign based on one or more of the following criteria: it is a conservative change, it occurs at a poorly conserved position in the protein, it is predicted to be benign by multiple in silico algorithms, and/or has population frequency not consistent with disease.